The following is an entry in ClinVar:

ClinVar aggregate classification (germline): Uncertain significance (1 of 4 stars; one submission).

Conditions:
Werner syndrome (WRN). Identifiers: Orphanet 902, MedGen C0043119, MONDO:0010196, OMIM 277700.

Allele frequency attached by ClinVar (database versions not stated): gnomAD exomes below 0.00001; ExAC 0.00001.
gnomAD v4.1: 1 of 1,613,332 alleles (0.000062%); highest among the groups gnomAD compares: Admixed American, 0.0017%; no homozygotes.

Submission:

Labcorp Genetics (formerly Invitae), Labcorp
Classification: Uncertain significance for Werner syndrome. Last evaluated: 2023-04-07. Review status: criteria provided, single submitter. Criteria: Invitae Variant Classification Sherloc (09022015). Collection method: clinical testing. Allele origin: germline.
Comment: In summary, the available evidence is currently insufficient to determine the role of this variant in disease. Therefore, it has been classified as a Variant of Uncertain Significance. Algorithms developed to predict the effect of sequence changes on RNA splicing suggest that this variant may disrupt the consensus splice site. This variant has not been reported in the literature in individuals affected with WRN-related conditions. This variant is present in population databases (rs765321958, gnomAD 0.003%). This sequence change falls in intron 18 of the WRN gene. It does not directly change the encoded amino acid sequence of the WRN protein.

NM_000553.6(WRN):c.2089-18C>G

Gene: WRN (WRN RecQ like helicase; plus strand). Cytogenetic location: 8p12.
Variant type: single nucleotide variant.
Coding change: c.2089-18C>G on transcript NM_000553.6 (MANE Select); 18 bases into the intron before coding-DNA position 2089, C replaced by G.
Molecular consequence: intron variant.
Genome position (GRCh38, 1-based): chr8:31,111,597, C>G. VCF-style: chr8-31111597-C-G. GRCh37 (hg19) VCF-style: chr8-30969113-C-G.
Identifiers: ClinVar variation 2729427 (VCV002729427.3), dbSNP rs765321958, ClinGen allele CA4704635.
Genomic context (GRCh38, chr8:31,111,597, plus strand): 5'-TCTTTGTAAGAAAGCTATAGACATGTTGGGAATGAATGAGCTCTTTCCTTTTTAAAATAT[C>G]AGTTTTACATCATTCAGGTTCCAATCGTTGCACTTACTGCTACTGCAAGTTCTTCAATCC-3'